The following is an entry in ClinVar:

NM_000053.4(ATP7B):c.3232T>C (p.Tyr1078His)

Gene: ATP7B (ATPase copper transporting beta; minus strand). Cytogenetic location: 13q14.3.
Variant type: single nucleotide variant.
Coding change: c.3232T>C on transcript NM_000053.4 (MANE Select); coding-DNA position 3232, T replaced by C.
Protein change: p.Tyr1078His; replaces tyrosine 1078 with histidine.
Molecular consequence: missense variant. On other transcripts: intron variant (1).
Genome position (GRCh38, 1-based): chr13:51,944,120, A>G on the plus strand (T>C on the coding strand, the complement: ATP7B is on the minus strand). VCF-style: chr13-51944120-A-G. GRCh37 (hg19) VCF-style: chr13-52518256-A-G.
Other names: c.2611T>C, p.Tyr871His (NM_001005918.3); c.2899T>C, p.Tyr967His (NM_001243182.2); c.2998T>C, p.Tyr1000His (NM_001330578.2, NM_001406527.1, NM_001406528.1 and 1 more transcripts); c.2980T>C, p.Tyr994His (NM_001330579.2, NM_001406531.1, NM_001406532.1); c.3232T>C, p.Tyr1078His (NM_001406511.1, NM_001406512.1, NM_001406526.1); c.3226T>C, p.Tyr1076His (NM_001406513.1); c.3199T>C, p.Tyr1067His (NM_001406514.1); c.3178T>C, p.Tyr1060His (NM_001406515.1, NM_001406516.1); and 19 more; short protein forms Y1019H, Y1046H, Y1076H, Y797H, Y871H, Y1033H, Y648H, Y929H.
Identifiers: ClinVar variation 4179508 (VCV004179508.2).

ClinVar aggregate classification (germline): Uncertain significance (1 of 4 stars; one submission).

Conditions:
Inborn genetic diseases. Identifiers: MedGen C0950123, MeSH D030342.

gnomAD v4.1: 1 of 1,614,048 alleles (0.000062%); highest among the groups gnomAD compares: Non-Finnish European, 0.000085%; no homozygotes.

Submission:

Ambry Genetics
Classification: Uncertain significance for Inborn genetic diseases. Last evaluated: 2026-07-02. Review status: criteria provided, single submitter. Criteria: Ambry Variant Classification Scheme 2023. Collection method: clinical testing. Allele origin: germline.
Comment: The p.Y1078H variant (also known as c.3232T>C), located in coding exon 14 of the ATP7B gene, results from a T to C substitution at nucleotide position 3232. The tyrosine at codon 1078 is replaced by histidine, an amino acid with similar properties. This amino acid position is conserved. In addition, this alteration is predicted to be deleterious by in silico analysis. Based on the available evidence, the clinical significance of this variant remains unclear.